The following is an entry in ClinVar:

NM_001165963.4(SCN1A):c.1034G>C (p.Cys345Ser)

Gene: SCN1A (sodium voltage-gated channel alpha subunit 1; minus strand). Cytogenetic location: 2q24.3.
Variant type: single nucleotide variant.
Coding change: c.1034G>C on transcript NM_001165963.4 (MANE Select); coding-DNA position 1034, G replaced by C.
Protein change: p.Cys345Ser; replaces cysteine 345 with serine.
Molecular consequence: missense variant. On other transcripts: 5 prime UTR variant (1), non-coding transcript variant (1).
Genome position (GRCh38, 1-based): chr2:166,047,763, C>G on the plus strand (G>C on the coding strand, the complement: SCN1A is on the minus strand). VCF-style: chr2-166047763-C-G. GRCh37 (hg19) VCF-style: chr2-166904273-C-G.
Other names: c.1034G>C, p.Cys345Ser (NM_001165964.3, NM_001202435.3, NM_001353948.2 and 10 more transcripts); c.-1392G>C (NM_001353961.2); short protein forms C345S.
Identifiers: ClinVar variation 3634061 (VCV003634061.2).

ClinVar aggregate classification (germline): Likely pathogenic (1 of 4 stars; one submission).

Conditions:
Early-infantile DEE. Also called: Early infantile epileptic encephalopathy; Ohtahara syndrome; Early infantile epileptic encephalopathy with suppression bursts. Identifiers: Orphanet 1934, MedGen C0393706, MONDO:0800491.

Submission:

Labcorp Genetics (formerly Invitae), Labcorp
Classification: Likely pathogenic for Early-infantile DEE. Last evaluated: 2024-02-23. Review status: criteria provided, single submitter. Criteria: Invitae Variant Classification Sherloc (09022015). Collection method: clinical testing. Allele origin: germline.
Comment: This sequence change replaces cysteine, which is neutral and slightly polar, with serine, which is neutral and polar, at codon 345 of the SCN1A protein (p.Cys345Ser). This variant is not present in population databases (gnomAD no frequency). This missense change has been observed in individual(s) with SCN1A-related conditions (Invitae). Advanced modeling of protein sequence and biophysical properties (such as structural, functional, and spatial information, amino acid conservation, physicochemical variation, residue mobility, and thermodynamic stability) performed at Invitae indicates that this missense variant is expected to disrupt SCN1A protein function with a positive predictive value of 95%. This variant disrupts the p.Cys345 amino acid residue in SCN1A. Other variant(s) that disrupt this residue have been determined to be pathogenic (PMID: 18930999). This suggests that this residue is clinically significant, and that variants that disrupt this residue are likely to be disease-causing. In summary, the currently available evidence indicates that the variant is pathogenic, but additional data are needed to prove that conclusively. Therefore, this variant has been classified as Likely Pathogenic.

Literature cited by the submitters: PubMed 18930999.